The following is an entry in ClinVar:

NM_001291303.3(FAT4):c.873C>A (p.Asp291Glu)

Gene: FAT4 (FAT atypical cadherin 4; plus strand). Cytogenetic location: 4q28.1.
Variant type: single nucleotide variant.
Coding change: c.873C>A on transcript NM_001291303.3 (MANE Select); coding-DNA position 873, C replaced by A.
Protein change: p.Asp291Glu; replaces aspartic acid 291 with glutamic acid.
Molecular consequence: missense variant.
Genome position (GRCh38, 1-based): chr4:125,317,284, C>A. VCF-style: chr4-125317284-C-A. GRCh37 (hg19) VCF-style: chr4-126238439-C-A.
Other names: c.873C>A, p.Asp291Glu (NM_001291285.3, NM_024582.6); short protein forms D291E.
Identifiers: ClinVar variation 2115654 (VCV002115654.3), dbSNP rs1185505372, ClinGen allele CA358116715.

ClinVar aggregate classification (germline): Uncertain significance (1 of 4 stars; one submission).

gnomAD v4.1: 8 of 1,588,580 alleles (0.0005%); highest among the groups gnomAD compares: South Asian, 0.0011%; no homozygotes.

Submission:

Labcorp Genetics (formerly Invitae), Labcorp
Classification: Uncertain significance. Last evaluated: 2022-06-01. Review status: criteria provided, single submitter. Criteria: Invitae Variant Classification Sherloc (09022015). Collection method: clinical testing. Allele origin: germline.
Comment: In summary, the available evidence is currently insufficient to determine the role of this variant in disease. Therefore, it has been classified as a Variant of Uncertain Significance. Advanced modeling of protein sequence and biophysical properties (such as structural, functional, and spatial information, amino acid conservation, physicochemical variation, residue mobility, and thermodynamic stability) performed at Invitae indicates that this missense variant is not expected to disrupt FAT4 protein function. This variant has not been reported in the literature in individuals affected with FAT4-related conditions. The frequency data for this variant in the population databases is considered unreliable, as metrics indicate poor data quality at this position in the gnomAD database. This sequence change replaces aspartic acid, which is acidic and polar, with glutamic acid, which is acidic and polar, at codon 291 of the FAT4 protein (p.Asp291Glu).